The following is an entry in ClinVar:

NM_001005242.3(PKP2):c.1379-2067_1379-2066delinsAT

Gene: PKP2 (plakophilin 2; minus strand). Cytogenetic location: 12p11.21.
Variant type: Indel.
Coding change: c.1379-2067_1379-2066delinsAT on transcript NM_001005242.3 (MANE Select); 2067 bases into the intron before coding-DNA position 1379 through 2066 bases into the intron before coding-DNA position 1379, GC replaced by AT.
Molecular consequence: intron variant. On other transcripts: missense variant (1).
Genome position (GRCh38, 1-based): chr12:32,843,271-32,843,272, GC replaced by AT on the plus strand (GC replaced by AT on the coding strand, the reverse complement: PKP2 is on the minus strand). VCF-style: chr12-32843271-GC-AT. GRCh37 (hg19) VCF-style: chr12-32996205-GC-AT.
Other names: c.1420_1421delinsAT, p.Ala474Met (NM_004572.4); short protein forms A474M.
Identifiers: ClinVar variation 1331828 (VCV001331828.3), dbSNP rs2137838213, ClinGen allele CA2573053659.

ClinVar aggregate classification (germline): Uncertain significance (1 of 4 stars; one submission).

Conditions:
Cardiomyopathy (CMYO). Also called: Cardiomyopathies. Identifiers: Orphanet 167848, MedGen C0878544, MONDO:0004994, HP:0001638. Inheritance: Various modes of inheritance.

Submission:

Color Diagnostics, LLC DBA Color Health
Classification: Uncertain significance for Cardiomyopathy. Last evaluated: 2024-03-07. Review status: criteria provided, single submitter. Criteria: ACMG Guidelines, 2015. Collection method: clinical testing. Allele origin: germline.
Comment: This missense variant replaces alanine with methionine at codon 474 of the PKP2 protein. Computational prediction is inconclusive regarding the impact of this variant on protein structure and function (internally defined REVEL score threshold 0.5 < inconclusive < 0.7, PMID: 27666373). To our knowledge, functional studies have not been reported for this variant. This variant has not been reported in individuals affected with cardiovascular disorders in the literature. This variant has not been identified in the general population by the Genome Aggregation Database (gnomAD). The available evidence is insufficient to determine the role of this variant in disease conclusively. Therefore, this variant is classified as a Variant of Uncertain Significance.